The following is an entry in ClinVar:

ClinVar aggregate classification (germline): Uncertain significance. Review status: criteria provided, multiple submitters, no conflicts (2 of 4 stars). 7 submissions from 7 submitters: Uncertain significance (6). 1 of the submissions does not count toward it. Last evaluated 2024-09-19.

Conditions:
Familial thoracic aortic aneurysm and aortic dissection (TAAD). Also called: Thoracic aortic aneurysms and dissections. Identifiers: Orphanet 91387, MedGen C4707243, MONDO:0019625.
Aortic aneurysm, familial thoracic 6 (AAT6). Also called: FAMILIAL THORACIC AORTIC ANEURYSM WITH LIVEDO RETICULARIS AND IRIS FLOCCULI. Identifiers: MedGen C2673186, MONDO:0012730, OMIM 611788.

Allele frequency attached by ClinVar (database versions not stated): TOPMed 0.00001; ExAC 0.00002; gnomAD 0.00004.

Submissions (7):

Labcorp Genetics (formerly Invitae), Labcorp
Classification: Uncertain significance for Aortic aneurysm, familial thoracic 6. Last evaluated: 2024-09-19. Review status: criteria provided, single submitter. Criteria: Invitae Variant Classification Sherloc (09022015). Collection method: clinical testing. Allele origin: germline.
Comment: This sequence change replaces valine, which is neutral and non-polar, with isoleucine, which is neutral and non-polar, at codon 203 of the ACTA2 protein (p.Val203Ile). This variant is present in population databases (rs397516684, gnomAD 0.01%). This missense change has been observed in individuals with thoracic aortic aneurysms and dissections (PMID: 24793577; internal data). ClinVar contains an entry for this variant (Variation ID: 44218). Invitae Evidence Modeling of protein sequence and biophysical properties (such as structural, functional, and spatial information, amino acid conservation, physicochemical variation, residue mobility, and thermodynamic stability) indicates that this missense variant is not expected to disrupt ACTA2 protein function with a negative predictive value of 80%. This variant disrupts the p.Val203 amino acid residue in ACTA2. Other variant(s) that disrupt this residue have been observed in individuals with ACTA2-related conditions (PMID: 29907982), which suggests that this may be a clinically significant amino acid residue. In summary, the available evidence is currently insufficient to determine the role of this variant in disease. Therefore, it has been classified as a Variant of Uncertain Significance.

Color Diagnostics, LLC DBA Color Health
Classification: Uncertain significance for Familial thoracic aortic aneurysm and aortic dissection. Last evaluated: 2024-09-09. Review status: criteria provided, single submitter. Criteria: ACMG Guidelines, 2015. Collection method: clinical testing. Allele origin: germline.
Comment: This missense variant replaces valine with isoleucine at codon 203 of the ACTA2 protein. Computational prediction suggests that this variant may not impact protein structure and function. To our knowledge, functional studies have not been reported for this variant. This variant has been reported in two individuals suspected to be affected with thoracic aortic aneurysm and dissection (PMID: 24793577, 29907982). This variant has been identified in 6/250930 chromosomes in the general population by the Genome Aggregation Database (gnomAD). The available evidence is insufficient to determine the role of this variant in disease conclusively. Therefore, this variant is classified as a Variant of Uncertain Significance.

Women's Health and Genetics/Laboratory Corporation of America, LabCorp
Classification: Uncertain significance. Last evaluated: 2024-06-26. Review status: criteria provided, single submitter. Criteria: LabCorp Variant Classification Summary - May 2015. Collection method: clinical testing. Allele origin: germline.
Comment: Variant summary: ACTA2 c.607G>A (p.Val203Ile) results in a conservative amino acid change in the encoded protein sequence. Three of five in-silico tools predict a benign effect of the variant on protein function. The variant allele was found at a frequency of 2.4e-05 in 250930 control chromosomes. The available data on variant occurrences in the general population are insufficient to allow any conclusion about variant significance. c.607G>A has been reported in the literature in at-least one individual affected with Aortopathy (example: Lerner-Ellis_2014). These report(s) do not provide unequivocal conclusions about association of the variant with Aortopathy. To our knowledge, no experimental evidence demonstrating an impact on protein function has been reported. The following publication has been ascertained in the context of this evaluation (PMID: 24793577). ClinVar contains an entry for this variant (Variation ID: 44218). Based on the evidence outlined above, the variant was classified as uncertain significance.

All of Us Research Program, National Institutes of Health
Classification: Uncertain significance for Familial thoracic aortic aneurysm and aortic dissection. Last evaluated: 2023-12-18. Review status: criteria provided, single submitter. Criteria: ACMG Guidelines, 2015. Collection method: clinical testing. Allele origin: germline. Inheritance: Autosomal dominant inheritance. Observed: 4 variant alleles, 4 heterozygotes.
Comment: This missense variant replaces valine with isoleucine at codon 203 of the ACTA2 protein. Computational prediction suggests that this variant may not impact protein structure and function (internally defined REVEL score threshold <= 0.5, PMID: 27666373). To our knowledge, functional studies have not been reported for this variant. This variant has been reported in two individuals suspected to be affected with thoracic aortic aneurysm and dissection (PMID: 24793577, 29907982). This variant has been identified in 6/250930 chromosomes in the general population by the Genome Aggregation Database (gnomAD). The available evidence is insufficient to determine the role of this variant in disease conclusively. Therefore, this variant is classified as a Variant of Uncertain Significance.

This study involves interpretation of variants in research participants for the purpose of population health screening. Participant phenotype was not available at the time of variant classification. Additional details can be found in publication PMID: 35346344, PMCID: PMC8962531

GeneDx
Classification: Uncertain significance. Last evaluated: 2023-07-10. Review status: criteria provided, single submitter. Criteria: GeneDx Variant Classification Process June 2021. Collection method: clinical testing. Allele origin: germline. Affected: yes.
Comment: In silico analysis supports that this missense variant does not alter protein structure/function; Identified in a patient referred for Marfan syndrome, Loeys-Dietz syndrome or TAAD genetic testing; detailed clinical information was not provided (Lerner-Ellis et al., 2014); This variant is associated with the following publications: (PMID: 24793577)

Eurofins Ntd Llc (ga)
Classification: Uncertain significance. Last evaluated: 2016-12-01. Review status: criteria provided, single submitter. Criteria: EGL Classification Definitions 2015. Collection method: clinical testing. Allele origin: germline. Observed: 1 variant allele, 1 heterozygote.

Laboratory for Molecular Medicine, Mass General Brigham Personalized Medicine
Classification: Uncertain significance. Last evaluated: 2008-11-11. Review status: no assertion criteria provided. Collection method: clinical testing. Allele origin: germline. Observed: 1 variant allele. Not counted in ClinVar's aggregate classification.

Literature cited by the submitters: PubMed 24793577 (cited by 4 submitters); PubMed 29907982 (cited by 3 submitters).

NM_001613.4(ACTA2):c.607G>A (p.Val203Ile)

Gene: ACTA2 (actin alpha 2, smooth muscle; minus strand). Cytogenetic location: 10q23.31.
Variant type: single nucleotide variant.
Coding change: c.607G>A on transcript NM_001613.4 (MANE Select); coding-DNA position 607, G replaced by A.
Protein change: p.Val203Ile; replaces valine 203 with isoleucine.
Molecular consequence: missense variant.
Genome position (GRCh38, 1-based): chr10:88,941,238, C>T on the plus strand (G>A on the coding strand, the complement: ACTA2 is on the minus strand). VCF-style: chr10-88941238-C-T. GRCh37 (hg19) VCF-style: chr10-90700995-C-T.
Other names: c.607G>A, p.Val203Ile (NM_001141945.3, NM_001320855.2, NM_001406462.1 and 3 more transcripts); c.496G>A, p.Val166Ile (NM_001406466.1); c.478G>A, p.Val160Ile (NM_001406467.1, NM_001406468.1, NM_001406469.1); short protein forms V203I, V160I, V166I.
Identifiers: ClinVar variation 44218 (VCV000044218.24), dbSNP rs397516684, ClinGen allele CA006979.
Genomic context (GRCh38, chr10:88,941,238, plus strand): 5'-TACTGAGCAACACACTGCTCCCCTCTCCCCCTTATCTCCCACAGGCCTCACCAGTAGTAA[C>T]GAAGGAATAGCCACGCTCAGTCAGGATCTTCATGAGGTAGTCAGTGAGATCTCGGCCAGC-3'
Protein context (NP_001604.1, residues 193-213): KILTERGYSF[Val203Ile]TTAEREIVRD